The following is an entry in ClinVar:

ClinVar aggregate classification (germline): Pathogenic (1 of 4 stars; one submission).

Conditions:
Duchenne muscular dystrophy (DMD). Also called: MUSCULAR DYSTROPHY, PSEUDOHYPERTROPHIC PROGRESSIVE, DUCHENNE TYPE; Duchenne Muscular Dystrophy (DMD). Identifiers: Orphanet 98896, MedGen C0013264, MONDO:0010679, OMIM 310200.

Submission:

Labcorp Genetics (formerly Invitae), Labcorp
Classification: Pathogenic for Duchenne muscular dystrophy. Last evaluated: 2020-02-15. Review status: criteria provided, single submitter. Criteria: Invitae Variant Classification Sherloc (09022015). Collection method: clinical testing. Allele origin: germline.
Comment: For these reasons, this variant has been classified as Pathogenic. Loss-of-function variants in DMD are known to be pathogenic (PMID: 16770791, 25007885). This variant has not been reported in the literature in individuals with DMD-related disease. This variant is not present in population databases (ExAC no frequency). This sequence change creates a premature translational stop signal (p.Glu419Valfs*7) in the DMD gene. It is expected to result in an absent or disrupted protein product.

Literature cited by the submitters: PubMed 16770791; PubMed 25007885.

NM_004006.3(DMD):c.1254_1255dup (p.Glu419fs)

Gene: DMD (dystrophin; minus strand). Cytogenetic location: Xp21.1.
Variant type: Duplication.
Coding change: c.1254_1255dup on transcript NM_004006.3 (MANE Select); coding-DNA positions 1254 to 1255, 2 bases duplicated (TG; older notation c.1254_1255dupTG).
Protein change: p.Glu419fs; shifts the reading frame from glutamic acid 419.
Molecular consequence: frameshift variant.
Genome position (GRCh38, 1-based): chrX:32,644,208-32,644,209, CA duplicated on the plus strand (TG on the coding strand, the reverse complement: DMD is on the minus strand). VCF-style (leftmost placement, unchanged base first): chrX-32644207-T-TCA. GRCh37 (hg19) VCF-style: chrX-32662324-T-TCA.
Other names: c.1230_1231dup, p.Glu411fs (NM_000109.4); c.1242_1243dup, p.Glu415fs (NM_004009.3); c.885_886dup, p.Glu296fs (NM_004010.3); c.1254_1255dupTG (NM_004006.2); short protein forms E415fs, E419fs, E296fs, E411fs.
Identifiers: ClinVar variation 647086 (VCV000647086.7), dbSNP rs1602460062, ClinGen allele CA915950937.
Genomic context (GRCh38, chrX:32,644,207, plus strand): 5'-ATGCTAGCTACCCTGAGGCATTCCCATCTTGAATTTAGGAGATTCATCTGCTCTTGTACT[T>TCA]CAGTTTCTTCATCTTCTGATAATTTTCCTGTTCCAATCAGCTTACTTCCCAATTGTAGAA-3'